The following is an entry in ClinVar:

NM_005138.3(SCO2):c.172C>T (p.Arg58Ter)

Genes: SCO2 (synthesis of cytochrome C oxidase 2; minus strand), NCAPH2 (non-SMC condensin II complex subunit H2; plus strand). Cytogenetic location: 22q13.33.
Variant type: single nucleotide variant.
Coding change: c.172C>T on transcript NM_005138.3 (MANE Select); coding-DNA position 172, C replaced by T.
Protein change: p.Arg58Ter; replaces arginine 58 with a stop codon.
Molecular consequence: nonsense. On other transcripts: 3 prime UTR variant (2).
Genome position (GRCh38, 1-based): chr22:50,524,240, G>A on the plus strand (C>T on the coding strand, the complement: SCO2 is on the minus strand). VCF-style: chr22-50524240-G-A. GRCh37 (hg19) VCF-style: chr22-50962669-G-A.
Other names: c.*865G>A (NM_001185011.2, NM_152299.4); c.172C>T, p.Arg58Ter (NM_001169109.2, NM_001169110.1, NM_001169111.2); short protein forms R58*.
Identifiers: ClinVar variation 2780143 (VCV002780143.3), dbSNP rs745534256, ClinGen allele CA412193788.

ClinVar aggregate classification (germline): Pathogenic (1 of 4 stars; one submission).

gnomAD v4.1: 5 of 1,606,320 alleles (0.00031%); highest among the groups gnomAD compares: Middle Eastern, 0.017%; no homozygotes.

Submission:

Labcorp Genetics (formerly Invitae), Labcorp
Classification: Pathogenic. Last evaluated: 2024-04-10. Review status: criteria provided, single submitter. Criteria: Invitae Variant Classification Sherloc (09022015). Collection method: clinical testing. Allele origin: germline.
Comment: This sequence change creates a premature translational stop signal (p.Arg58*) in the SCO2 gene. While this is not anticipated to result in nonsense mediated decay, it is expected to disrupt the last 209 amino acid(s) of the SCO2 protein. This variant is not present in population databases (gnomAD no frequency). This variant has not been reported in the literature in individuals affected with SCO2-related conditions. This variant disrupts a region of the SCO2 protein in which other variant(s) (p.Gly193Ser) have been determined to be pathogenic (PMID: 19353847, 29193756, 32600061). This suggests that this is a clinically significant region of the protein, and that variants that disrupt it are likely to be disease-causing. For these reasons, this variant has been classified as Pathogenic.

Literature cited by the submitters: PubMed 19353847; PubMed 29193756; PubMed 32600061.